The following is an entry in ClinVar:

ClinVar aggregate classification (germline): Conflicting classifications of pathogenicity. Review status: criteria provided, conflicting classifications (1 of 4 stars). 2 submissions from 2 submitters: Uncertain significance (1); Likely benign (1). Last evaluated 2023-12-20.

Conditions:
Ataxia-telangiectasia syndrome (AT). Also called: Cerebello-oculocutaneous telangiectasia; Immunodeficiency with ataxia telangiectasia; Ataxia telangiectasia (A-T); Ataxia-telangiectasia, complementation group E; LOUIS-BAR SYNDROME; Ataxia-telangiectasia. Identifiers: Orphanet 100, MedGen C0004135, MONDO:0008840, OMIM 208900.
Hereditary cancer-predisposing syndrome. Also called: Hereditary neoplastic syndrome; Tumor predisposition; Hereditary Cancer Syndrome; Neoplastic Syndromes, Hereditary. Identifiers: Orphanet 140162, MedGen C0027672, MeSH D009386, MONDO:0015356.

Submissions (2):

Ambry Genetics
Classification: Likely benign for Hereditary cancer-predisposing syndrome. Last evaluated: 2023-12-20. Review status: criteria provided, single submitter. Criteria: Ambry Variant Classification Scheme 2023. Collection method: clinical testing. Allele origin: germline.

Labcorp Genetics (formerly Invitae), Labcorp
Classification: Uncertain significance for Ataxia-telangiectasia syndrome. Last evaluated: 2023-01-20. Review status: criteria provided, single submitter. Criteria: Invitae Variant Classification Sherloc (09022015). Collection method: clinical testing. Allele origin: germline.
Comment: This sequence change replaces histidine, which is basic and polar, with glutamine, which is neutral and polar, at codon 635 of the ATM protein (p.His635Gln). In summary, the available evidence is currently insufficient to determine the role of this variant in disease. Therefore, it has been classified as a Variant of Uncertain Significance. Algorithms developed to predict the effect of missense changes on protein structure and function output the following: SIFT: "Tolerated"; PolyPhen-2: "Benign"; Align-GVGD: "Class C0". The glutamine amino acid residue is found in multiple mammalian species, which suggests that this missense change does not adversely affect protein function. ClinVar contains an entry for this variant (Variation ID: 575868). This variant has not been reported in the literature in individuals affected with ATM-related conditions. This variant is not present in population databases (gnomAD no frequency).

NM_000051.4(ATM):c.1905C>A (p.His635Gln)

Gene: ATM (ATM serine/threonine kinase; plus strand). Cytogenetic location: 11q22.3.
Variant type: single nucleotide variant.
Coding change: c.1905C>A on transcript NM_000051.4 (MANE Select); coding-DNA position 1905, C replaced by A.
Protein change: p.His635Gln; replaces histidine 635 with glutamine.
Molecular consequence: missense variant.
Genome position (GRCh38, 1-based): chr11:108,253,820, C>A. VCF-style: chr11-108253820-C-A. GRCh37 (hg19) VCF-style: chr11-108124547-C-A.
Other names: c.1905C>A, p.His635Gln (NM_001351834.2); short protein forms H635Q.
Identifiers: ClinVar variation 575868 (VCV000575868.7), dbSNP rs1020808836, ClinGen allele CA382536291.